The following is an entry in ClinVar:

NM_002660.3(PLCG1):c.3274A>G (p.Ile1092Val)

Gene: PLCG1 (phospholipase C gamma 1; plus strand). Cytogenetic location: 20q12.
Variant type: single nucleotide variant.
Coding change: c.3274A>G on transcript NM_002660.3 (MANE Select); coding-DNA position 3274, A replaced by G.
Protein change: p.Ile1092Val; replaces isoleucine 1092 with valine.
Molecular consequence: missense variant.
Genome position (GRCh38, 1-based): chr20:41,172,872, A>G. VCF-style: chr20-41172872-A-G. GRCh37 (hg19) VCF-style: chr20-39801512-A-G.
Other names: c.3274A>G, p.Ile1092Val (NM_182811.2); short protein forms I1092V.
Identifiers: ClinVar variation 4982828 (VCV004982828.1).
Genomic context (GRCh38, chr20:41,172,872, plus strand): 5'-GAGGCCTTCGACCCCTTTGACAAGAGCAGCCTCCGCGGGCTGGAGCCATGTGCCATCTCT[A>G]TTGAGGTGGGTGCTGCTCATCTGGGCTTCAGGGTAGGAAAGGGGCTGCTTGCCGTTGGAG-3'
Protein context (NP_002651.2, residues 1082-1102): LRGLEPCAIS[Ile1092Val]EVLGARHLPK

ClinVar aggregate classification (germline): Likely benign (1 of 4 stars; one submission).

Conditions:
PLCG1-related disorder. Also called: PLCG1-related condition.

gnomAD v4.1: 106 of 1,613,890 alleles (0.0066%); highest among the groups gnomAD compares: East Asian, 0.082%; no homozygotes.

Submission:

PreventionGenetics, part of Exact Sciences
Classification: Likely benign for PLCG1-related condition. Last evaluated: 2025-06-05. Review status: criteria provided, single submitter. Criteria: ACMG Guidelines, 2015. Collection method: clinical testing. Allele origin: germline.
Comment: This variant is classified as likely benign based on ACMG/AMP sequence variant interpretation guidelines (Richards et al. 2015 PMID: 25741868, with internal and published modifications).